The following is an entry in ClinVar:

NM_001379500.1(COL18A1):c.1005+6G>A

Gene: COL18A1 (collagen type XVIII alpha 1 chain; plus strand). Cytogenetic location: 21q22.3.
Variant type: single nucleotide variant.
Coding change: c.1005+6G>A on transcript NM_001379500.1 (MANE Select); 6 bases into the intron after coding-DNA position 1005, G replaced by A.
Molecular consequence: intron variant.
Genome position (GRCh38, 1-based): chr21:45,477,493, G>A. VCF-style: chr21-45477493-G-A. GRCh37 (hg19) VCF-style: chr21-46897407-G-A.
Other names: c.2250+6G>A (NM_130444.3); c.1545+6G>A (NM_030582.4).
Identifiers: ClinVar variation 1424139 (VCV001424139.6), dbSNP rs2145923720, ClinGen allele CA2573157585.

ClinVar aggregate classification (germline): Uncertain significance (1 of 4 stars; one submission).

Submission:

Labcorp Genetics (formerly Invitae), Labcorp
Classification: Uncertain significance. Last evaluated: 2022-07-11. Review status: criteria provided, single submitter. Criteria: Invitae Variant Classification Sherloc (09022015). Collection method: clinical testing. Allele origin: germline.
Comment: This variant is not present in population databases (gnomAD no frequency). In summary, the available evidence is currently insufficient to determine the role of this variant in disease. Therefore, it has been classified as a Variant of Uncertain Significance. Variants that disrupt the consensus splice site are a relatively common cause of aberrant splicing (PMID: 17576681, 9536098). Experimental studies and prediction algorithms are not available or were not evaluated, and the effect of this variant on mRNA splicing is currently unknown. ClinVar contains an entry for this variant (Variation ID: 1424139). This variant has not been reported in the literature in individuals affected with COL18A1-related conditions. This sequence change falls in intron 7 of the COL18A1 gene. It does not directly change the encoded amino acid sequence of the COL18A1 protein. It affects a nucleotide within the consensus splice site.

Literature cited by the submitters: PubMed 17576681; PubMed 9536098.